The following is an entry in ClinVar:

NM_178857.6(RP1L1):c.3906A>G (p.Gln1302=)

Gene: RP1L1 (RP1 like 1). Cytogenetic location: 8p23.1.
Variant type: single nucleotide variant.
Coding change: c.3906A>G on transcript NM_178857.6 (MANE Select); coding-DNA position 3906, A replaced by G.
Protein change: p.Gln1302=; no amino-acid change (glutamine 1302 retained).
Molecular consequence: synonymous variant.
Genome position (GRCh38, 1-based): chr8:10,610,192, T>C on the plus strand (A>G on the coding strand, the complement: RP1L1 is on the minus strand). VCF-style: chr8-10610192-T-C. GRCh37 (hg19) VCF-style: chr8-10467702-T-C.
Identifiers: ClinVar variation 4820772 (VCV004820772.4).
Genomic context (GRCh38, chr8:10,610,192, plus strand): 5'-TAACTGCACCGCCTCTTCTTGCAGCCCTTCTCCTTCTGTTCCTTCTTTAGTTTCCTCTAA[T>C]TGCACCTCTTCTTGCACTGTGTTTTCAGCTAACTGCTCCAGGTTCGAGCTCGCCCTCTGC-3'
Protein context (NP_849188.4, residues 1292-1312): LAENTVQEEV[Gln1302=]LEETKEGTEG

ClinVar aggregate classification (germline): Likely benign (1 of 4 stars; one submission).

Submission:

CeGaT Center for Human Genetics Tuebingen
Classification: Likely benign. Last evaluated: 2026-03-01. Review status: criteria provided, single submitter. Criteria: CeGaT Center For Human Genetics Tuebingen Variant Classification Criteria Version 2. Collection method: clinical testing. Allele origin: germline. Affected: yes. Observed: 1 variant allele.
Comment: RP1L1: BP4, BP7